The following is an entry in ClinVar:

ClinVar aggregate classification (germline): Uncertain significance (1 of 4 stars; one submission).

Conditions:
Cardiovascular phenotype. Identifiers: MedGen CN230736.

Submission:

Ambry Genetics
Classification: Uncertain significance for Cardiovascular phenotype. Last evaluated: 2024-01-23. Review status: criteria provided, single submitter. Criteria: Ambry Variant Classification Scheme 2023. Collection method: clinical testing. Allele origin: germline.
Comment: The c.65-5T>G intronic variant results from a T to G substitution 5 nucleotides upstream from coding exon 2 in the LAMP2 gene. This nucleotide position is highly conserved in available vertebrate species. In silico splice site analysis predicts that this alteration will weaken the native splice acceptor site and will result in the creation or strengthening of a novel splice acceptor site. Based on the available evidence, the clinical significance of this alteration remains unclear.

NM_002294.3(LAMP2):c.65-5T>G

Gene: LAMP2 (lysosomal associated membrane protein 2; minus strand). Cytogenetic location: Xq24.
Variant type: single nucleotide variant.
Coding change: c.65-5T>G on transcript NM_002294.3 (MANE Select); 5 bases into the intron before coding-DNA position 65, T replaced by G.
Molecular consequence: intron variant.
Genome position (GRCh38, 1-based): chrX:120,456,774, A>C on the plus strand (T>G on the coding strand, the complement: LAMP2 is on the minus strand). VCF-style: chrX-120456774-A-C. GRCh37 (hg19) VCF-style: chrX-119590629-A-C.
Other names: c.65-5T>G (NM_001122606.1, NM_013995.2).
Identifiers: ClinVar variation 3222066 (VCV003222066.1), dbSNP rs2520913774, ClinGen allele CA2825002925.
Genomic context (GRCh38, chrX:120,456,774, plus strand): 5'-AGTGGCATTTTCTGAATCTGTCAAATTAAGTTCCAATGCATAAGACCGCACAGCTCCTGG[A>C]TTCATTTAAAAAAATAATATTTTAAAATTGTACTACAAAAATTATATAAATTAAAAACAA-3'